The following is an entry in ClinVar:

NM_015021.3(ZNF292):c.113A>G (p.Glu38Gly)

Genes: ZNF292 (zinc finger protein 292; plus strand), LOC129996783 (ATAC-STARR-seq lymphoblastoid active region 24794; plus strand). Cytogenetic location: 6q14.3.
Variant type: single nucleotide variant.
Coding change: c.113A>G on transcript NM_015021.3 (MANE Select); coding-DNA position 113, A replaced by G.
Protein change: p.Glu38Gly; replaces glutamic acid 38 with glycine.
Molecular consequence: missense variant. On other transcripts: 5 prime UTR variant (1).
Genome position (GRCh38, 1-based): chr6:87,155,704, A>G. VCF-style: chr6-87155704-A-G. GRCh37 (hg19) VCF-style: chr6-87865422-A-G.
Other names: c.-453A>G (NM_001351444.2); short protein forms E38G.
Identifiers: ClinVar variation 4076349 (VCV004076349.1).
Genomic context (GRCh38, chr6:87,155,704, plus strand): 5'-GCGTCGCGGAGCTGCAGCGCCTGGGCGAGCGGCTCCAGGAGCTGGAGCTACAGCTGCGGG[A>G]GAGCCGGGTACCGGCCGTGGAAGCGGCCACCGACTACTGTCAGCAGCTGTGCCAGGTGAG-3'
Protein context (NP_055836.1, residues 28-48): RLQELELQLR[Glu38Gly]SRVPAVEAAT

ClinVar aggregate classification (germline): Uncertain significance (1 of 4 stars; one submission).

Conditions:
Intellectual developmental disorder, autosomal dominant 64. Also called: MENTAL RETARDATION, AUTOSOMAL DOMINANT 64. Identifiers: MedGen C5543067, MONDO:0030934, OMIM 619188.

Submission:

Laboratorio de Genetica e Diagnostico Molecular, Hospital Israelita Albert Einstein
Classification: Uncertain significance for Intellectual developmental disorder, autosomal dominant 64. Last evaluated: 2023-05-23. Review status: criteria provided, single submitter. Criteria: ACMG Guidelines, 2015. Collection method: clinical testing. Allele origin: germline. Affected: yes.
Comment: ACMG classification criteria: PM2 moderate, BP4 supporting